The following is an entry in ClinVar:

NM_006502.3(POLH):c.1939A>T (p.Met647Leu)

Gene: POLH (DNA polymerase eta; plus strand). Cytogenetic location: 6p21.1.
Variant type: single nucleotide variant.
Coding change: c.1939A>T on transcript NM_006502.3 (MANE Select); coding-DNA position 1939, A replaced by T.
Protein change: p.Met647Leu; replaces methionine 647 with leucine.
Molecular consequence: missense variant. On other transcripts: 3 prime UTR variant (1).
Genome position (GRCh38, 1-based): chr6:43,614,354, A>T. VCF-style: chr6-43614354-A-T. GRCh37 (hg19) VCF-style: chr6-43582091-A-T.
Other names: c.1567A>T, p.Met523Leu (NM_001291969.2); c.*623A>T (NM_001291970.2); short protein forms M647L, M523L.
Identifiers: ClinVar variation 259989 (VCV000259989.18), dbSNP rs6941583, ClinGen allele CA3827335.

ClinVar aggregate classification (germline): Benign. Review status: criteria provided, multiple submitters, no conflicts (2 of 4 stars). 5 submissions from 5 submitters: Benign (5). Last evaluated 2026-02-04.

Conditions:
Xeroderma pigmentosum variant type. Also called: POLH-Related Xeroderma Pigmentosum; PHOTOSENSITIVITY WITH DEFECTIVE DNA SYNTHESIS; XERODERMA PIGMENTOSUM WITH NORMAL DNA REPAIR RATES. Identifiers: Orphanet 90342, MedGen C1848410, MONDO:0010214, OMIM 278750.

Allele frequency attached by ClinVar (database versions not stated): gnomAD exomes 0.04182 and 0.05906; ExAC 0.06573; gnomAD 0.11433 and 0.11871; TOPMed 0.12281; ESP Exome Variant Server 0.12364; 1000 Genomes Project 0.12879; 1000 Genomes Project 30x 0.13226.
gnomAD v4.1: 79,101 of 1,612,354 alleles (4.9%); highest among the groups gnomAD compares: African/African-American, 32%; 5,137 homozygotes.

Submissions (5):

Labcorp Genetics (formerly Invitae), Labcorp
Classification: Benign. Last evaluated: 2026-02-04. Review status: criteria provided, single submitter. Criteria: Invitae Variant Classification Sherloc (09022015). Collection method: clinical testing. Allele origin: germline.

KCCC/NGS Laboratory, Kuwait Cancer Control Center
Classification: Benign for Xeroderma pigmentosum variant type. Last evaluated: 2023-07-07. Review status: criteria provided, single submitter. Criteria: ACMG Guidelines, 2015. Collection method: clinical testing. Allele origin: germline. Affected: yes.

GeneDx
Classification: Benign. Last evaluated: 2018-07-09. Review status: criteria provided, single submitter. Criteria: GeneDx Variant Classification Process June 2021. Collection method: clinical testing. Allele origin: germline. Affected: yes.

Illumina Laboratory Services, Illumina
Classification: Benign for Xeroderma pigmentosum variant type. Last evaluated: 2018-01-12. Review status: criteria provided, single submitter. Criteria: ICSL Variant Classification Criteria 13 December 2019. Collection method: clinical testing. Allele origin: germline.
Comment: This variant was observed in the ICSL laboratory as part of a predisposition screen in an ostensibly healthy population. It had not been previously curated by ICSL or reported in the Human Gene Mutation Database (HGMD: prior to June 1st, 2018), and was therefore a candidate for classification through an automated scoring system. Utilizing variant allele frequency, disease prevalence and penetrance estimates, and inheritance mode, an automated score was calculated to assess if this variant is too frequent to cause the disease. Based on the score and internal cut-off values, a variant classified as benign is not then subjected to further curation. The score for this variant resulted in a classification of benign for this disease.

PreventionGenetics, part of Exact Sciences
Classification: Benign. Review status: criteria provided, single submitter. Criteria: ACMG Guidelines, 2015. Collection method: clinical testing. Allele origin: germline.